The following is an entry in ClinVar:

NM_015100.4(POGZ):c.263C>G (p.Thr88Arg)

Gene: POGZ (pogo transposable element derived with ZNF domain; minus strand). Cytogenetic location: 1q21.3.
Variant type: single nucleotide variant.
Coding change: c.263C>G on transcript NM_015100.4 (MANE Select); coding-DNA position 263, C replaced by G.
Protein change: p.Thr88Arg; replaces threonine 88 with arginine.
Molecular consequence: missense variant. On other transcripts: intron variant (2).
Genome position (GRCh38, 1-based): chr1:151,440,948, G>C on the plus strand (C>G on the coding strand, the complement: POGZ is on the minus strand). VCF-style: chr1-151440948-G-C. GRCh37 (hg19) VCF-style: chr1-151413424-G-C.
Other names: c.263C>G, p.Thr88Arg (NM_001194937.2, NM_145796.4); c.284C>G, p.Thr95Arg (NM_001410860.1); c.124+1133C>G (NM_001194938.2, NM_207171.2); short protein forms T88R, T95R.
Identifiers: ClinVar variation 2584948 (VCV002584948.1), dbSNP rs2529678334, ClinGen allele CA341985446.
Genomic context (GRCh38, chr1:151,440,948, plus strand): 5'-CTCTAGCCCAGGATTATTATTTCCCAATAATCCCACTTACCATTGTTGTTGGCAATTAGT[G>C]TGACAAGAGTCTTCTTTGTACTGTCGCTGTTCTGTGCCCCGCTGCTACTAACGGTGGTGG-3'
Protein context (NP_055915.2, residues 78-98): NSDSTKKTLV[Thr88Arg]LIANNNAGNP

ClinVar aggregate classification (germline): Uncertain significance (1 of 4 stars; one submission).

Conditions:
Intellectual disability-microcephaly-strabismus-behavioral abnormalities syndrome. Also called: White-Sutton Syndrome. Identifiers: Orphanet 468678, MedGen C4225351, MONDO:0014606, OMIM 616364.

Submission:

Neuberg Centre For Genomic Medicine, NCGM
Classification: Uncertain significance for Intellectual disability-microcephaly-strabismus-behavioral abnormalities syndrome. Review status: criteria provided, single submitter. Criteria: ACMG Guidelines, 2015. Collection method: clinical testing. Allele origin: germline. Inheritance: Autosomal dominant inheritance. Affected: yes.
Comment: The missense variant inc.2278G>A(p.Glu760Lys) in CACNA1E gene has not been reported previously as a pathogenic variant nor as a benign variant, to our knowledge. The p.Thr88Arg variant is novel (not in any individuals) in gnomAD Exomes and 1000 Genomes. The amino acid Thr at position 88 is changed to a Arg changing protein sequence and it might alter its composition and physico-chemical properties. For these reasons, this variant has been classified as Uncertain Significance (VUS).